The following is an entry in ClinVar:

ClinVar aggregate classification (germline): Uncertain significance (1 of 4 stars; one submission).

Conditions:
CHARGE syndrome (CHARGE). Also called: CHARGE ASSOCIATION--COLOBOMA, HEART ANOMALY, CHOANAL ATRESIA, RETARDATION, GENITAL AND EAR ANOMALIES; Coloboma, heart anomaly, choanal atresia, retardation, genital and ear anomalies; CHARGE association; Hall-Hittner syndrome; Hittner Hirsch Kreh syndrome. Identifiers: Orphanet 138, MedGen C0265354, MONDO:0008965.

Submission:

Labcorp Genetics (formerly Invitae), Labcorp
Classification: Uncertain significance for CHARGE association. Last evaluated: 2019-02-18. Review status: criteria provided, single submitter. Criteria: Invitae Variant Classification Sherloc (09022015). Collection method: clinical testing. Allele origin: germline.
Comment: This sequence change replaces proline with serine at codon 2155 of the CHD7 protein (p.Pro2155Ser). The proline residue is weakly conserved and there is a moderate physicochemical difference between proline and serine. This variant is not present in population databases (ExAC no frequency). This variant has not been reported in the literature in individuals with CHD7-related conditions. Algorithms developed to predict the effect of missense changes on protein structure and function (SIFT, PolyPhen-2, Align-GVGD) all suggest that this variant is likely to be tolerated, but these predictions have not been confirmed by published functional studies and their clinical significance is uncertain. In summary, the available evidence is currently insufficient to determine the role of this variant in disease. Therefore, it has been classified as a Variant of Uncertain Significance.

NM_017780.4(CHD7):c.6463C>T (p.Pro2155Ser)

Gene: CHD7 (chromodomain helicase DNA binding protein 7; plus strand). Cytogenetic location: 8q12.2.
Variant type: single nucleotide variant.
Coding change: c.6463C>T on transcript NM_017780.4 (MANE Select); coding-DNA position 6463, C replaced by T.
Protein change: p.Pro2155Ser; replaces proline 2155 with serine.
Molecular consequence: missense variant. On other transcripts: intron variant (1).
Genome position (GRCh38, 1-based): chr8:60,853,188, C>T. VCF-style: chr8-60853188-C-T. GRCh37 (hg19) VCF-style: chr8-61765747-C-T.
Other names: c.1717-9041C>T (NM_001316690.1); short protein forms P2155S.
Identifiers: ClinVar variation 862641 (VCV000862641.1), dbSNP rs1805544569, ClinGen allele CA371325318.